The following is an entry in ClinVar:

NM_052965.4(TSEN15):c.495+54G>A

Gene: TSEN15 (tRNA splicing endonuclease subunit 15; plus strand). Cytogenetic location: 1q25.3.
Variant type: single nucleotide variant.
Coding change: c.495+54G>A on transcript NM_052965.4 (MANE Select); 54 bases into the intron after coding-DNA position 495, G replaced by A.
Molecular consequence: intron variant.
Genome position (GRCh38, 1-based): chr1:184,072,352, G>A. VCF-style: chr1-184072352-G-A. GRCh37 (hg19) VCF-style: chr1-184041486-G-A.
Other names: c.353+17489G>A (NM_001363643.2); c.507+42G>A (NM_001300764.2); c.391+158G>A (NM_001300766.2); c.354-475G>A (NM_001127394.4).
Identifiers: ClinVar variation 2639630 (VCV002639630.24), dbSNP rs146745937, ClinGen allele CA34316045.

ClinVar aggregate classification (germline): Likely benign (1 of 4 stars; one submission).

Allele frequency attached by ClinVar (database versions not stated): gnomAD 0.00309; 1000 Genomes Project 30x 0.00328; TOPMed 0.00331; 1000 Genomes Project 0.00359.
gnomAD v4.1: 2,204 of 1,502,360 alleles (0.15%); highest among the groups gnomAD compares: African/African-American, 0.72%; 12 homozygotes.

Submission:

CeGaT Center for Human Genetics Tuebingen
Classification: Likely benign. Last evaluated: 2026-05-01. Review status: criteria provided, single submitter. Criteria: CeGaT Center For Human Genetics Tuebingen Variant Classification Criteria Version 2. Collection method: clinical testing. Allele origin: germline. Affected: yes. Observed: 7 variant alleles.
Comment: TSEN15: BP4, BP7, BS2